The following is an entry in ClinVar:

NM_018297.4(NGLY1):c.1611+3A>C

Gene: NGLY1 (N-glycanase 1; minus strand). Cytogenetic location: 3p24.2.
Variant type: single nucleotide variant.
Coding change: c.1611+3A>C on transcript NM_018297.4 (MANE Select); 3 bases into the intron after coding-DNA position 1611, A replaced by C.
Molecular consequence: intron variant.
Genome position (GRCh38, 1-based): chr3:25,729,130, T>G on the plus strand (A>C on the coding strand, the complement: NGLY1 is on the minus strand). VCF-style: chr3-25729130-T-G. GRCh37 (hg19) VCF-style: chr3-25770621-T-G.
Other names: c.1485+3A>C (NM_001145294.2); c.1611+3A>C (NM_001145295.2); c.1557+3A>C (NM_001145293.2).
Identifiers: ClinVar variation 1998785 (VCV001998785.1), dbSNP rs2470508898, ClinGen allele CA2580069217.

ClinVar aggregate classification (germline): Uncertain significance (1 of 4 stars; one submission).

Conditions:
Congenital disorder of deglycosylation (CDDG). Identifiers: MedGen C3808991, MONDO:0031376.

Submission:

Labcorp Genetics (formerly Invitae), Labcorp
Classification: Uncertain significance for Congenital disorder of deglycosylation. Last evaluated: 2022-05-25. Review status: criteria provided, single submitter. Criteria: Invitae Variant Classification Sherloc (09022015). Collection method: clinical testing. Allele origin: germline.
Comment: This sequence change falls in intron 10 of the NGLY1 gene. It does not directly change the encoded amino acid sequence of the NGLY1 protein. It affects a nucleotide within the consensus splice site. This variant is not present in population databases (gnomAD no frequency). This variant has not been reported in the literature in individuals affected with NGLY1-related conditions. Variants that disrupt the consensus splice site are a relatively common cause of aberrant splicing (PMID: 17576681, 9536098). Algorithms developed to predict the effect of sequence changes on RNA splicing suggest that this variant may disrupt the consensus splice site. In summary, the available evidence is currently insufficient to determine the role of this variant in disease. Therefore, it has been classified as a Variant of Uncertain Significance.

Literature cited by the submitters: PubMed 17576681; PubMed 9536098.